The following is an entry in ClinVar:

ClinVar aggregate classification (germline): Likely benign (1 of 4 stars; one submission).

Allele frequency attached by ClinVar (database versions not stated): gnomAD exomes 0.00001; gnomAD 0.00001.

Submission:

GeneDx
Classification: Likely benign. Last evaluated: 2016-07-12. Review status: criteria provided, single submitter. Criteria: GeneDx Variant Classification (06012015). Collection method: clinical testing. Allele origin: germline. Affected: yes.
Comment: This variant is considered likely benign or benign based on one or more of the following criteria: it is a conservative change, it occurs at a poorly conserved position in the protein, it is predicted to be benign by multiple in silico algorithms, and/or has population frequency not consistent with disease.

NM_006904.6(PRKDC):c.-29G>A

Genes: PRKDC (protein kinase, DNA-activated, catalytic subunit; minus strand), LOC129929030 (ATAC-STARR-seq lymphoblastoid silent region 19177; plus strand). Cytogenetic location: 8q11.21.
Variant type: single nucleotide variant.
Coding change: c.-29G>A on transcript NM_006904.6; 29 bases upstream of the start codon, G replaced by A.
Genome position (GRCh38, 1-based): chr8:47,960,155, C>T on the plus strand (G>A on the coding strand, the complement: PRKDC is on the minus strand). VCF-style: chr8-47960155-C-T. GRCh37 (hg19) VCF-style: chr8-48872715-C-T.
Identifiers: ClinVar variation 387739 (VCV000387739.3), dbSNP rs1057522893, ClinGen allele CA16606127.
Genomic context (GRCh38, chr8:47,960,155, plus strand): 5'-GAGCAACGCACACCGGCTCCGGAGCCCGCCATGCCGCCGAGTCCCGCTCCCGCGCGTGCG[C>T]CCGCTCGGCCCGGACCCGGAAATGCCCCTACGCGCGGAGGCGGGGCTGCGGGGCGCGGCG-3'